The following is an entry in ClinVar:

ClinVar aggregate classification (germline): Uncertain significance (1 of 4 stars; one submission).

gnomAD v4.1: 3 of 1,614,080 alleles (0.00019%); highest among the groups gnomAD compares: Admixed American, 0.005%; no homozygotes.

Submission:

Labcorp Genetics (formerly Invitae), Labcorp
Classification: Uncertain significance. Last evaluated: 2025-05-07. Review status: criteria provided, single submitter. Criteria: Invitae Variant Classification Sherloc (09022015). Collection method: clinical testing. Allele origin: germline.
Comment: This sequence change replaces glutamic acid, which is acidic and polar, with glycine, which is neutral and non-polar, at codon 806 of the BACH2 protein (p.Glu806Gly). This variant is present in population databases (no rsID available, gnomAD 0.009%). This variant has not been reported in the literature in individuals affected with BACH2-related conditions. ClinVar contains an entry for this variant (Variation ID: 3619152). Invitae Evidence Modeling of protein sequence and biophysical properties (such as structural, functional, and spatial information, amino acid conservation, physicochemical variation, residue mobility, and thermodynamic stability) indicates that this missense variant is not expected to disrupt BACH2 protein function with a negative predictive value of 80%. In summary, the available evidence is currently insufficient to determine the role of this variant in disease. Therefore, it has been classified as a Variant of Uncertain Significance.

NM_021813.4(BACH2):c.2417A>G (p.Glu806Gly)

Gene: BACH2 (BACH transcriptional regulator 2; minus strand). Cytogenetic location: 6q15.
Variant type: single nucleotide variant.
Coding change: c.2417A>G on transcript NM_021813.4 (MANE Select); coding-DNA position 2417, A replaced by G.
Protein change: p.Glu806Gly; replaces glutamic acid 806 with glycine.
Molecular consequence: missense variant.
Genome position (GRCh38, 1-based): chr6:89,932,517, T>C on the plus strand (A>G on the coding strand, the complement: BACH2 is on the minus strand). VCF-style: chr6-89932517-T-C. GRCh37 (hg19) VCF-style: chr6-90642236-T-C.
Other names: c.2417A>G, p.Glu806Gly (NM_001170794.2); short protein forms E806G.
Identifiers: ClinVar variation 3619152 (VCV003619152.2).